The following is an entry in ClinVar:

ClinVar aggregate classification (germline): Benign/Likely benign. Review status: criteria provided, multiple submitters, no conflicts (2 of 4 stars). 3 submissions from 2 submitters: Benign (1); Likely benign (2). Last evaluated 2018-01-13.

Conditions:
Autosomal recessive limb-girdle muscular dystrophy type 2G (LGMDR7). Also called: Limb-girdle muscular dystrophy, type 2G; Telethoninopathy; MUSCULAR DYSTROPHY, LIMB-GIRDLE, AUTOSOMAL RECESSIVE 7. Identifiers: Orphanet 34514, MedGen C1866008, MONDO:0011170, OMIM 601954.
Hypertrophic cardiomyopathy 25 (CMH25). Also called: CARDIOMYOPATHY, FAMILIAL HYPERTROPHIC, 25. Identifiers: MedGen C4225408, MONDO:0011843, OMIM 607487.

Allele frequency attached by ClinVar (database versions not stated): gnomAD exomes 0.00171; gnomAD 0.01184 and 0.01272; TOPMed 0.01352; 1000 Genomes Project 0.01398; 1000 Genomes Project 30x 0.01452.
gnomAD v4.1: 2,115 of 335,168 alleles (0.63%); highest among the groups gnomAD compares: African/African-American, 4%; 38 homozygotes.

Submissions (3):

Illumina Laboratory Services, Illumina
Classification: Likely benign for Cardiomyopathy, Dilated, 1N. Last evaluated: 2018-01-13. Review status: criteria provided, single submitter. Criteria: ICSL Variant Classification Criteria 13 December 2019. Collection method: clinical testing. Allele origin: germline.
Comment: This variant was observed in the ICSL laboratory as part of a predisposition screen in an ostensibly healthy population. It had not been previously curated by ICSL or reported in the Human Gene Mutation Database (HGMD: prior to June 1st, 2018), and was therefore a candidate for classification through an automated scoring system. Utilizing variant allele frequency, disease prevalence and penetrance estimates, and inheritance mode, an automated score was calculated to assess if this variant is too frequent to cause the disease. Based on the score and internal cut-off values, a variant classified as likely benign is not then subjected to further curation. The score for this variant resulted in a classification of likely benign for this disease.

Illumina Laboratory Services, Illumina
Classification: Benign for Autosomal recessive limb-girdle muscular dystrophy type 2G. Last evaluated: 2018-01-13. Review status: criteria provided, single submitter. Criteria: ICSL Variant Classification Criteria 13 December 2019. Collection method: clinical testing. Allele origin: germline.
Comment: This variant was observed in the ICSL laboratory as part of a predisposition screen in an ostensibly healthy population. It had not been previously curated by ICSL or reported in the Human Gene Mutation Database (HGMD: prior to June 1st, 2018), and was therefore a candidate for classification through an automated scoring system. Utilizing variant allele frequency, disease prevalence and penetrance estimates, and inheritance mode, an automated score was calculated to assess if this variant is too frequent to cause the disease. Based on the score and internal cut-off values, a variant classified as benign is not then subjected to further curation. The score for this variant resulted in a classification of benign for this disease.

Breakthrough Genomics
Classification: Likely benign. Review status: criteria provided, single submitter. Criteria: ACMG Guidelines, 2015. Collection method: not provided. Allele origin: germline. Inheritance: Autosomal recessive inheritance. Affected: yes.

NM_003673.4(TCAP):c.*377G>C

Gene: TCAP (titin-cap; plus strand). Cytogenetic location: 17q12.
Variant type: single nucleotide variant.
Coding change: c.*377G>C on transcript NM_003673.4 (MANE Select); 377 bases downstream of the stop codon, G replaced by C.
Molecular consequence: 3 prime UTR variant.
Genome position (GRCh38, 1-based): chr17:39,666,486, G>C. VCF-style: chr17-39666486-G-C. GRCh37 (hg19) VCF-style: chr17-37822739-G-C.
Identifiers: ClinVar variation 323050 (VCV000323050.6), dbSNP rs3194794, ClinGen allele CA10649181.
Genomic context (GRCh38, chr17:39,666,486, plus strand): 5'-GGGGAATCTGGAACGCTCTAGGCAGAAGAAGCTGGGAGGGAGGGGGAGGTGAAAAGGGCA[G>C]AGGCAAGGATGGTGGGGCCCCCAGCACCCTCTGTTAGTGCCGCAATAAATGCTCAATCAT-3'